The following is an entry in ClinVar:

ClinVar aggregate classification (germline): Benign/Likely benign. Review status: criteria provided, multiple submitters, no conflicts (2 of 4 stars). 18 submissions from 18 submitters: Benign (8); Likely benign (5). 5 of the submissions do not count toward it. Last evaluated 2026-02-02.

Conditions:
HCN4-related disorder. Also called: HCN4-related condition.
Cardiovascular phenotype. Identifiers: MedGen CN230736.
Sick sinus syndrome 2, autosomal dominant (SSS2). Also called: SINUS BRADYCARDIA SYNDROME, FAMILIAL, AUTOSOMAL DOMINANT; SINUS NODE DISEASE, FAMILIAL, AUTOSOMAL DOMINANT; ATRIAL FIBRILLATION WITH BRADYARRHYTHMIA; SICK SINUS SYNDROME 2; SICK SINUS SYNDROME 2 WITH OR WITHOUT CARDIAC NONCOMPACTION AND/OR ASCENDING AORTA DILATION. Identifiers: Orphanet 166282, MedGen C1834144, MONDO:0008102, OMIM 163800.
Brugada syndrome 8 (BRGDA8). Identifiers: Orphanet 130, MedGen C2751083, MONDO:0013148, OMIM 613123.

Allele frequency attached by ClinVar (database versions not stated): 1000 Genomes Project 0.00060; 1000 Genomes Project 30x 0.00062; gnomAD 0.00157 and 0.00163; ESP Exome Variant Server 0.00169; TOPMed 0.00188; ExAC 0.00197; gnomAD exomes 0.00201 and 0.00229.
gnomAD v4.1: 3,269 of 1,614,194 alleles (0.2%); highest among the groups gnomAD compares: Admixed American, 0.22%; 15 homozygotes.

Submissions (18):

Labcorp Genetics (formerly Invitae), Labcorp
Classification: Benign for Brugada syndrome 8. Last evaluated: 2026-02-02. Review status: criteria provided, single submitter. Criteria: Invitae Variant Classification Sherloc (09022015). Collection method: clinical testing. Allele origin: germline.

CeGaT Center for Human Genetics Tuebingen
Classification: Likely benign. Last evaluated: 2025-11-01. Review status: criteria provided, single submitter. Criteria: CeGaT Center For Human Genetics Tuebingen Variant Classification Criteria Version 2. Collection method: clinical testing. Allele origin: germline. Affected: yes. Observed: 7 variant alleles.
Comment: HCN4: BP4, BP7

Molecular Diagnostic Laboratory for Inherited Cardiovascular Disease, Montreal Heart Institute
Classification: Likely benign. Last evaluated: 2025-04-09. Review status: criteria provided, single submitter. Criteria: ACMG Guidelines, 2015. Collection method: clinical testing. Allele origin: germline. Affected: no.

Blueprint Genetics
Classification: Likely benign. Last evaluated: 2024-11-26. Review status: criteria provided, single submitter. Criteria: ACMG Guidelines, 2015. Collection method: clinical testing. Allele origin: germline.

ARUP Laboratories, Molecular Genetics and Genomics, ARUP Laboratories
Classification: Benign. Last evaluated: 2024-10-31. Review status: criteria provided, single submitter. Criteria: ARUP Molecular Germline Variant Investigation Process 2024. Collection method: clinical testing. Allele origin: germline.

Women's Health and Genetics/Laboratory Corporation of America, LabCorp
Classification: Benign. Last evaluated: 2023-10-09. Review status: criteria provided, single submitter. Criteria: LabCorp Variant Classification Summary - May 2015. Collection method: clinical testing. Allele origin: germline.

Mayo Clinic Laboratories, Mayo Clinic
Classification: Benign. Last evaluated: 2023-01-27. Review status: criteria provided, single submitter. Criteria: ACMG Guidelines, 2015. Collection method: clinical testing. Allele origin: germline. Observed: 3 variant alleles.
Comment: BS1, BS2, BP4, BP7

Illumina Laboratory Services, Illumina
Classification: Benign for Sick sinus syndrome 2, autosomal dominant. Last evaluated: 2018-01-13. Review status: criteria provided, single submitter. Criteria: ICSL Variant Classification Criteria 13 December 2019. Collection method: clinical testing. Allele origin: germline.
Comment: This variant was observed in the ICSL laboratory as part of a predisposition screen in an ostensibly healthy population. It had not been previously curated by ICSL or reported in the Human Gene Mutation Database (HGMD: prior to June 1st, 2018), and was therefore a candidate for classification through an automated scoring system. Utilizing variant allele frequency, disease prevalence and penetrance estimates, and inheritance mode, an automated score was calculated to assess if this variant is too frequent to cause the disease. Based on the score and internal cut-off values, a variant classified as benign is not then subjected to further curation. The score for this variant resulted in a classification of benign for this disease.

Athena Diagnostics
Classification: Benign. Last evaluated: 2017-06-21. Review status: criteria provided, single submitter. Criteria: Athena Diagnostics Criteria. Collection method: clinical testing. Allele origin: germline.

Ambry Genetics
Classification: Likely benign for Cardiovascular phenotype. Last evaluated: 2015-08-27. Review status: criteria provided, single submitter. Criteria: Ambry Variant Classification Scheme 2023. Collection method: clinical testing. Allele origin: germline.

Eurofins Ntd Llc (ga)
Classification: Benign. Last evaluated: 2015-03-12. Review status: criteria provided, single submitter. Criteria: EGL Classification Definitions 2015. Collection method: clinical testing. Allele origin: germline. Observed: 1 variant allele, 1 heterozygote.

GeneDx
Classification: Benign. Last evaluated: 2014-04-28. Review status: criteria provided, single submitter. Criteria: GeneDx Variant Classification (06012015). Collection method: clinical testing. Allele origin: germline. Affected: yes.
Comment: This variant is considered likely benign or benign based on one or more of the following criteria: it is a conservative change, it occurs at a poorly conserved position in the protein, it is predicted to be benign by multiple in silico algorithms, and/or has population frequency not consistent with disease.

Breakthrough Genomics
Classification: Likely benign. Review status: criteria provided, single submitter. Criteria: ACMG Guidelines, 2015. Collection method: not provided. Allele origin: germline. Inheritance: Autosomal dominant inheritance. Affected: yes.

PreventionGenetics, part of Exact Sciences
Classification: Benign for HCN4-related condition. Last evaluated: 2019-09-18. Review status: no assertion criteria provided. Collection method: clinical testing. Allele origin: germline. Not counted in ClinVar's aggregate classification.
Comment: This variant is classified as benign based on ACMG/AMP sequence variant interpretation guidelines (Richards et al. 2015 PMID: 25741868, with internal and published modifications).

Clinical Genetics DNA and cytogenetics Diagnostics Lab, Erasmus MC, Erasmus Medical Center
Classification: Likely benign. Review status: no assertion criteria provided. Collection method: clinical testing. Allele origin: germline. Affected: yes. Study: VKGL Data-share Consensus. Not counted in ClinVar's aggregate classification.

Clinical Genetics, Academic Medical Center
Classification: Benign. Review status: no assertion criteria provided. Collection method: clinical testing. Allele origin: germline. Affected: yes. Study: VKGL Data-share Consensus. Not counted in ClinVar's aggregate classification.

Diagnostic Laboratory, Department of Genetics, University Medical Center Groningen
Classification: Likely benign. Review status: no assertion criteria provided. Collection method: clinical testing. Allele origin: germline. Affected: yes. Study: VKGL Data-share Consensus. Not counted in ClinVar's aggregate classification.

Joint Genome Diagnostic Labs from Nijmegen and Maastricht, Radboudumc and MUMC+
Classification: Benign. Review status: no assertion criteria provided. Collection method: clinical testing. Allele origin: germline. Affected: yes. Study: VKGL Data-share Consensus. Not counted in ClinVar's aggregate classification.

NM_005477.3(HCN4):c.1518C>T (p.Tyr506=)

Gene: HCN4 (hyperpolarization activated cyclic nucleotide gated potassium channel 4; minus strand). Cytogenetic location: 15q24.1.
Variant type: single nucleotide variant.
Coding change: c.1518C>T on transcript NM_005477.3 (MANE Select); coding-DNA position 1518, C replaced by T.
Protein change: p.Tyr506=; no amino-acid change (tyrosine 506 retained).
Molecular consequence: synonymous variant.
Genome position (GRCh38, 1-based): chr15:73,329,645, G>A on the plus strand (C>T on the coding strand, the complement: HCN4 is on the minus strand). VCF-style: chr15-73329645-G-A. GRCh37 (hg19) VCF-style: chr15-73621986-G-A.
Other names: p.Y506Y:TAC>TAT; p.Tyr506=.
Identifiers: ClinVar variation 137538 (VCV000137538.61), dbSNP rs139590882, ClinGen allele CA202780.